The following is an entry in ClinVar:

NC_000023.11:g.147911887T>C

Genes: FMR1 (fragile X messenger ribonucleoprotein 1; plus strand), LOC107032825 (origin of replication in 5' region of FMR1; plus strand), LOC129929053 (ATAC-STARR-seq lymphoblastoid silent region 21039; plus strand). Cytogenetic location: Xq27.3.
Variant type: single nucleotide variant.
Genome position: GRCh38 VCF-style: chrX-147911887-T-C. GRCh37 (hg19) VCF-style: chrX-146993405-T-C.
Identifiers: ClinVar variation 1303048 (VCV001303048.3), dbSNP rs1222840333, ClinGen allele CA645127163.

ClinVar aggregate classification (germline): Uncertain significance (1 of 4 stars; one submission).

Allele frequency attached by ClinVar (database versions not stated): gnomAD 0.00015 and 0.00016; TOPMed 0.00026.

Submission:

GeneDx
Classification: Uncertain significance. Last evaluated: 2019-05-23. Review status: criteria provided, single submitter. Criteria: GeneDx Variant Classification Process June 2021. Collection method: clinical testing. Allele origin: germline. Affected: yes.
Comment: Published functional studies demonstrate reduced FMR1 promoter activity (Collins et al., 2010); Not observed in large population cohorts; however, limited data are available (Lek et al., 2016); This variant is associated with the following publications: (PMID: 20799337)